The following is an entry in ClinVar:

NM_001032283.3(TMPO):c.565+1878G>A

Gene: TMPO (thymopoietin; plus strand). Cytogenetic location: 12q23.1.
Variant type: single nucleotide variant.
Coding change: c.565+1878G>A on transcript NM_001032283.3 (MANE Select); 1878 bases into the intron after coding-DNA position 565, G replaced by A.
Molecular consequence: intron variant. On other transcripts: missense variant (1).
Genome position (GRCh38, 1-based): chr12:98,533,716, G>A. VCF-style: chr12-98533716-G-A. GRCh37 (hg19) VCF-style: chr12-98927494-G-A.
Other names: c.1459G>A, p.Ala487Thr (NM_003276.2); c.565+1878G>A (NM_001307975.2, NM_001032284.3); short protein forms A487T.
Identifiers: ClinVar variation 843016 (VCV000843016.12), dbSNP rs1877372287, ClinGen allele CA386153233.

ClinVar aggregate classification (germline): Uncertain significance (1 of 4 stars; one submission).

Conditions:
Loeys-Dietz syndrome 2 (LDS2). Also called: TGFBR2-Related Loeys-Dietz Syndrome; AORTIC ANEURYSM, FAMILIAL THORACIC 3; MARFAN SYNDROME, TYPE II; Marfan Syndrome type 2; Marfan like connective tissue disorder; MFS 2. Identifiers: Orphanet 284973, Orphanet 558, MedGen C2674574, MONDO:0012427, OMIM 610168.

Submission:

Labcorp Genetics (formerly Invitae), Labcorp
Classification: Uncertain significance for Loeys-Dietz syndrome 2. Last evaluated: 2022-02-04. Review status: criteria provided, single submitter. Criteria: Invitae Variant Classification Sherloc (09022015). Collection method: clinical testing. Allele origin: germline.
Comment: ClinVar contains an entry for this variant (Variation ID: 843016). In summary, the available evidence is currently insufficient to determine the role of this variant in disease. Therefore, it has been classified as a Variant of Uncertain Significance. Algorithms developed to predict the effect of missense changes on protein structure and function (SIFT, PolyPhen-2, Align-GVGD) all suggest that this variant is likely to be tolerated. This variant has not been reported in the literature in individuals affected with TMPO-related conditions. This variant is not present in population databases (gnomAD no frequency). This sequence change replaces alanine, which is neutral and non-polar, with threonine, which is neutral and polar, at codon 487 of the TMPO protein (p.Ala487Thr).